The following is an entry in ClinVar:

NM_001367624.2(ZNF469):c.10187T>A (p.Leu3396Gln)

Gene: ZNF469 (zinc finger protein 469; plus strand). Cytogenetic location: 16q24.2.
Variant type: single nucleotide variant.
Coding change: c.10187T>A on transcript NM_001367624.2 (MANE Select); coding-DNA position 10187, T replaced by A.
Protein change: p.Leu3396Gln; replaces leucine 3396 with glutamine.
Molecular consequence: missense variant.
Genome position (GRCh38, 1-based): chr16:88,437,657, T>A. VCF-style: chr16-88437657-T-A. GRCh37 (hg19) VCF-style: chr16-88504065-T-A.
Other names: NM_001127464.1:c.10103T>A; short protein forms L3396Q.
Identifiers: ClinVar variation 1399658 (VCV001399658.3), dbSNP rs1054187115, ClinGen allele CA286386271.
Genomic context (GRCh38, chr16:88,437,657, plus strand): 5'-AGCACGGGGAGCTGCTGGCACACCTGGGCGGGGCGCACGGGCTGCTGGAGCGGCCGGAGC[T>A]GCAGCACACGCCGCTGTATGCCTGCGAGCTCTGCGCCACGGTTATGCGCATCATCAAGAA-3'
Protein context (NP_001354553.1, residues 3386-3406): GAHGLLERPE[Leu3396Gln]QHTPLYACEL

ClinVar aggregate classification (germline): Conflicting classifications of pathogenicity. Review status: criteria provided, conflicting classifications (1 of 4 stars). 2 submissions from 2 submitters: Uncertain significance (1); Likely benign (1). Last evaluated 2025-02-21.

Conditions:
Cardiovascular phenotype. Identifiers: MedGen CN230736.

Allele frequency attached by ClinVar (database versions not stated): gnomAD exomes 0.00001 and 0.00002; TOPMed 0.00005; gnomAD 0.00007 and 0.00008.
gnomAD v4.1: 32 of 1,546,602 alleles (0.0021%); highest among the groups gnomAD compares: Admixed American, 0.0098%; no homozygotes.

Submissions (2):

Ambry Genetics
Classification: Likely benign for Cardiovascular phenotype. Last evaluated: 2025-02-21. Review status: criteria provided, single submitter. Criteria: Ambry Variant Classification Scheme 2023. Collection method: clinical testing. Allele origin: germline.

Labcorp Genetics (formerly Invitae), Labcorp
Classification: Uncertain significance. Last evaluated: 2021-10-28. Review status: criteria provided, single submitter. Criteria: Invitae Variant Classification Sherloc (09022015). Collection method: clinical testing. Allele origin: germline.
Comment: This sequence change replaces leucine, which is neutral and non-polar, with glutamine, which is neutral and polar, at codon 3368 of the ZNF469 protein (p.Leu3368Gln). This variant is present in population databases (no rsID available, gnomAD 0.006%). This variant has not been reported in the literature in individuals affected with ZNF469-related conditions. Algorithms developed to predict the effect of missense changes on protein structure and function are either unavailable or do not agree on the potential impact of this missense change (SIFT: "Deleterious"; PolyPhen-2: "Benign"; Align-GVGD: "Class C0"). In summary, the available evidence is currently insufficient to determine the role of this variant in disease. Therefore, it has been classified as a Variant of Uncertain Significance.